The following is an entry in ClinVar:

NM_003743.5(NCOA1):c.1362C>G (p.Ala454=)

Gene: NCOA1 (nuclear receptor coactivator 1; plus strand). Cytogenetic location: 2p23.3.
Variant type: single nucleotide variant.
Coding change: c.1362C>G on transcript NM_003743.5 (MANE Select); coding-DNA position 1362, C replaced by G.
Protein change: p.Ala454=; no amino-acid change (alanine 454 retained).
Molecular consequence: synonymous variant.
Genome position (GRCh38, 1-based): chr2:24,706,832, C>G. VCF-style: chr2-24706832-C-G. GRCh37 (hg19) VCF-style: chr2-24929701-C-G.
Other names: c.1362C>G, p.Ala454= (NM_001362950.1, NM_001362952.1, NM_001362954.1 and 3 more transcripts).
Identifiers: ClinVar variation 4980081 (VCV004980081.1).
Genomic context (GRCh38, chr2:24,706,832, plus strand): 5'-TAGCAACAGCCAAGGAAGTTTCGGATGCTCACCCGGAAGTCAGATTGTAGCCAATGTTGC[C>G]TTAAACCAAGGACAGGCCAGTTCACAGAGCAGTAATCCCTCTTTAAACCTCAATAATTCT-3'
Protein context (NP_003734.3, residues 444-464): SPGSQIVANV[Ala454=]LNQGQASSQS

ClinVar aggregate classification (germline): Likely benign (1 of 4 stars; one submission).

Conditions:
NCOA1-related disorder. Also called: NCOA1-related condition.

gnomAD v4.1: 7 of 1,614,036 alleles (0.00043%); highest among the groups gnomAD compares: Middle Eastern, 0.016%; no homozygotes.

Submission:

PreventionGenetics, part of Exact Sciences
Classification: Likely benign for NCOA1-related condition. Last evaluated: 2025-07-25. Review status: criteria provided, single submitter. Criteria: ACMG Guidelines, 2015. Collection method: clinical testing. Allele origin: germline.
Comment: This variant is classified as likely benign based on ACMG/AMP sequence variant interpretation guidelines (Richards et al. 2015 PMID: 25741868, with internal and published modifications).